The following is an entry in ClinVar:

NM_001148.6(ANK2):c.5432C>T (p.Pro1811Leu)

Genes: ANK2 (ankyrin 2; plus strand), LOC126807136 (MED14-independent group 3 enhancer GRCh37_chr4:114274931-114276130; plus strand). Cytogenetic location: 4q26.
Variant type: single nucleotide variant.
Coding change: c.5432C>T on transcript NM_001148.6 (MANE Select); coding-DNA position 5432, C replaced by T.
Protein change: p.Pro1811Leu; replaces proline 1811 with leucine.
Molecular consequence: missense variant. On other transcripts: intron variant (68).
Genome position (GRCh38, 1-based): chr4:113,354,050, C>T. VCF-style: chr4-113354050-C-T. GRCh37 (hg19) VCF-style: chr4-114275206-C-T.
Other names: c.5198C>T, p.Pro1733Leu (NM_001386142.1); c.1832C>T, p.Pro611Leu (NM_001386166.1); c.5573C>T, p.Pro1858Leu (NM_001386174.1); c.5549C>T, p.Pro1850Leu (NM_001386175.1); c.4411+3801C>T (NM_001386186.2, NM_001386148.2); c.4213+3801C>T (NM_001354269.3); c.4291+3801C>T (NM_001386187.2); c.4252+3801C>T (NM_001386147.1); and 35 more; short protein forms P1850L, P611L, P1858L, P1733L, P1811L.
Identifiers: ClinVar variation 4613580 (VCV004613580.1).
Genomic context (GRCh38, chr4:113,354,050, plus strand): 5'-TCAAAGGCAAGGAGGACGTGCCAAAAAAGACCACCCACAGGCCACATCCAGCTGCGTCAC[C>T]CTCTCTGAAGTCAGAGAGACATGCGCCAGGGTCTCCCTCCCCTAAAACAGAAAGACACTC-3'
Protein context (NP_001139.3, residues 1801-1821): TTHRPHPAAS[Pro1811Leu]SLKSERHAPG

ClinVar aggregate classification (germline): Uncertain significance (1 of 4 stars; one submission).

Conditions:
Cardiovascular phenotype. Identifiers: MedGen CN230736.

Submission:

Ambry Genetics
Classification: Uncertain significance for Cardiovascular phenotype. Last evaluated: 2025-12-10. Review status: criteria provided, single submitter. Criteria: Ambry Variant Classification Scheme 2023. Collection method: clinical testing. Allele origin: germline.
Comment: The p.P1811L variant (also known as c.5432C>T), located in coding exon 38 of the ANK2 gene, results from a C to T substitution at nucleotide position 5432. The proline at codon 1811 is replaced by leucine, an amino acid with similar properties. This amino acid position is conserved. In addition, this alteration is predicted to be tolerated by in silico analysis. Based on the available evidence, the clinical significance of this variant remains unclear.